The following is an entry in ClinVar:

ClinVar aggregate classification (germline): Likely benign. Review status: criteria provided, multiple submitters, no conflicts (2 of 4 stars). 2 submissions from 2 submitters: Likely benign (2). Last evaluated 2020-09-26.

Submissions (2):

Labcorp Genetics (formerly Invitae), Labcorp
Classification: Likely benign. Last evaluated: 2020-09-26. Review status: criteria provided, single submitter. Criteria: Invitae Variant Classification Sherloc (09022015). Collection method: clinical testing. Allele origin: germline.

Laboratory for Molecular Medicine, Mass General Brigham Personalized Medicine
Classification: Likely benign. Last evaluated: 2012-09-11. Review status: criteria provided, single submitter. Criteria: LMM Criteria. Collection method: clinical testing. Allele origin: germline. Observed: 1 variant allele.
Comment: Phe1195Phe in exon 27 of PCDH15: This variant is not expected to have clinical s ignificance because it does not alter an amino acid residue and is not located w ithin the splice consensus sequence.

NM_001384140.1(PCDH15):c.3585T>C (p.Phe1195=)

Gene: PCDH15 (protocadherin related 15; minus strand). Cytogenetic location: 10q21.1.
Variant type: single nucleotide variant.
Coding change: c.3585T>C on transcript NM_001384140.1 (MANE Select); coding-DNA position 3585, T replaced by C.
Protein change: p.Phe1195=; no amino-acid change (phenylalanine 1195 retained).
Molecular consequence: synonymous variant.
Genome position (GRCh38, 1-based): chr10:53,866,774, A>G on the plus strand (T>C on the coding strand, the complement: PCDH15 is on the minus strand). VCF-style: chr10-53866774-A-G. GRCh37 (hg19) VCF-style: chr10-55626534-A-G.
Other names: c.3600T>C, p.Phe1200= (NM_001142763.2, NM_001142771.2); c.3585T>C, p.Phe1195= (NM_001142764.2, NM_001142766.2, NM_001142770.3 and 4 more transcripts); c.3372T>C, p.Phe1124= (NM_001142765.2); c.3474T>C, p.Phe1158= (NM_001142767.2); c.3519T>C, p.Phe1173= (NM_001142768.2, NM_001142773.2, NM_001354404.2); c.3621T>C, p.Phe1207= (NM_001142769.4); c.3606T>C, p.Phe1202= (NM_001354411.2).
Identifiers: ClinVar variation 46471 (VCV000046471.13), dbSNP rs397517457, ClinGen allele CA138419.